The following is an entry in ClinVar:

ClinVar aggregate classification (germline): Likely benign. Review status: criteria provided, multiple submitters, no conflicts (2 of 4 stars). 3 submissions from 3 submitters: Likely benign (3). Last evaluated 2025-10-28.

Conditions:
Dextro-looped transposition of the great arteries. Also called: Dextrotransposition of the great arteries. Identifiers: Orphanet 860, MedGen C3531771, MONDO:0019443, OMIM 608808, HP:0031348.

Allele frequency attached by ClinVar (database versions not stated): gnomAD exomes 0.00003 and 0.00004; ExAC 0.00005; gnomAD 0.00006 and 0.00007; TOPMed 0.00007; ESP Exome Variant Server 0.00008; 1000 Genomes Project 30x 0.00016; 1000 Genomes Project 0.00020.
gnomAD v4.1: 71 of 1,614,096 alleles (0.0044%); highest among the groups gnomAD compares: Non-Finnish European, 0.0054%; no homozygotes.

Submissions (3):

Labcorp Genetics (formerly Invitae), Labcorp
Classification: Likely benign for Dextro-looped transposition of the great arteries. Last evaluated: 2025-10-28. Review status: criteria provided, single submitter. Criteria: Invitae Variant Classification Sherloc (09022015). Collection method: clinical testing. Allele origin: germline.

Laboratory of Genetics, Children's Clinical University Hospital Latvia
Classification: Likely benign. Last evaluated: 2025-02-16. Review status: criteria provided, single submitter. Criteria: ACMG Guidelines, 2015. Collection method: clinical testing. Allele origin: germline. Affected: yes.

CeGaT Center for Human Genetics Tuebingen
Classification: Likely benign. Last evaluated: 2024-01-01. Review status: criteria provided, single submitter. Criteria: CeGaT Center For Human Genetics Tuebingen Variant Classification Criteria Version 2. Collection method: clinical testing. Allele origin: germline. Affected: yes. Observed: 2 variant alleles.
Comment: MED13L: BP4, BP7

NM_015335.5(MED13L):c.3354C>T (p.Ser1118=)

Gene: MED13L (mediator complex subunit 13L; minus strand). Cytogenetic location: 12q24.21.
Variant type: single nucleotide variant.
Coding change: c.3354C>T on transcript NM_015335.5 (MANE Select); coding-DNA position 3354, C replaced by T.
Protein change: p.Ser1118=; no amino-acid change (serine 1118 retained).
Molecular consequence: synonymous variant.
Genome position (GRCh38, 1-based): chr12:115,991,600, G>A on the plus strand (C>T on the coding strand, the complement: MED13L is on the minus strand). VCF-style: chr12-115991600-G-A. GRCh37 (hg19) VCF-style: chr12-116429405-G-A.
Identifiers: ClinVar variation 701300 (VCV000701300.44), dbSNP rs368878357, ClinGen allele CA6810986.
Genomic context (GRCh38, chr12:115,991,600, plus strand): 5'-CATGTTGCAGGCACAGATGCAACAGCTGTCAAAGTTTCTGTCTTTAAAGATATTCATCAC[G>A]GAATCGGAGAGAATCAGGGTAACATAGAGGCTGTGGGCTTCGGGAATTGGCTGCATGGTG-3'
Protein context (NP_056150.1, residues 1108-1128): SLYVTLILSD[Ser1118=]VMNIFKDRNF